The following is an entry in ClinVar:

NM_000069.3(CACNA1S):c.1949-99_1949-98del

Gene: CACNA1S (calcium voltage-gated channel subunit alpha1 S; minus strand). Cytogenetic location: 1q32.1.
Variant type: Microsatellite.
Coding change: c.1949-99_1949-98del on transcript NM_000069.3 (MANE Select); 99 bases into the intron before coding-DNA position 1949 through 98 bases into the intron before coding-DNA position 1949, 2 bases deleted (AG; older notation c.1949-99_1949-98delAG).
Molecular consequence: intron variant.
Genome position (GRCh38, 1-based): chr1:201,074,718-201,074,719, CT deleted on the plus strand (AG on the coding strand, the reverse complement: CACNA1S is on the minus strand); deleting any 2 consecutive bases within chr1:201,074,718-201,074,722 gives the same sequence; the c. name uses the placement nearest the transcript's 3' end. VCF-style (leftmost placement, unchanged base first): chr1-201074717-ACT-A. GRCh37 (hg19) VCF-style: chr1-201043845-ACT-A.
Identifiers: ClinVar variation 678222 (VCV000678222.4), dbSNP rs66932448, ClinGen allele CA35975556.
Genomic context (GRCh38, chr1:201,074,717, plus strand): 5'-TGGAAGGGAGCCTGCAGGGCAGGAGTTCTGTCTGCCTGCATGTGGGCAGGACCTAACCCC[ACT>A]CTCCCAGAGCTACCCATGGGAAGGTGTGGATCCAGGGACATAGTGGAAGGCCCTCAGGGA-3'

ClinVar aggregate classification (germline): Benign. Review status: criteria provided, multiple submitters, no conflicts (2 of 4 stars). 2 submissions from 2 submitters: Benign (2). Last evaluated 2021-07-14.

Conditions:
Hypokalemic periodic paralysis, type 1. Also called: HypoPP; Hypokalemic Periodic Paralysis Type 1 (AD). Identifiers: Orphanet 681, MedGen C3714580, MONDO:0042979, OMIM 170400.

Submissions (2):

Genome-Nilou Lab
Classification: Benign for Hypokalemic periodic paralysis, type 1. Last evaluated: 2021-07-14. Review status: criteria provided, single submitter. Criteria: ACMG Guidelines, 2015. Collection method: clinical testing. Allele origin: germline. Affected: no.

GeneDx
Classification: Benign. Last evaluated: 2018-06-14. Review status: criteria provided, single submitter. Criteria: GeneDx Variant Classification (06012015). Collection method: clinical testing. Allele origin: germline. Affected: yes.
Comment: This variant is considered likely benign or benign based on one or more of the following criteria: it is a conservative change, it occurs at a poorly conserved position in the protein, it is predicted to be benign by multiple in silico algorithms, and/or has population frequency not consistent with disease.